The following is an entry in ClinVar:

ClinVar aggregate classification (germline): Likely pathogenic (1 of 4 stars; one submission).

Conditions:
Marfan syndrome (MFS). Also called: MARFAN SYNDROME, TYPE I; Marfan syndrome type 1; Marfan's syndrome; Marfan syndrome, classic; FBN1-Related Marfan Syndrome. Identifiers: Orphanet 284963, Orphanet 558, MedGen C0024796, MONDO:0007947, OMIM 154700.
Familial thoracic aortic aneurysm and aortic dissection (TAAD). Also called: Thoracic aortic aneurysms and dissections. Identifiers: Orphanet 91387, MedGen C4707243, MONDO:0019625.

Submission:

Labcorp Genetics (formerly Invitae), Labcorp
Classification: Likely pathogenic for Marfan syndrome; Familial thoracic aortic aneurysm and aortic dissection. Last evaluated: 2021-09-14. Review status: criteria provided, single submitter. Criteria: Invitae Variant Classification Sherloc (09022015). Collection method: clinical testing. Allele origin: germline.
Comment: This variant has not been reported in the literature in individuals affected with FBN1-related conditions. Advanced modeling of protein sequence and biophysical properties (such as structural, functional, and spatial information, amino acid conservation, physicochemical variation, residue mobility, and thermodynamic stability) performed at Invitae indicates that this missense variant is expected to disrupt FBN1 protein function. This variant affects a cysteine residue in the EGF-like, TGFBP or hybrid motif domains of FBN1. Cysteine residues are believed to be involved in intramolecular disulfide bridges and have been shown to be important for FBN1 protein structure (PMID: 16905551, 19349279). In addition, missense substitutions affecting cysteine residues within these domains are significantly overrepresented among patients with Marfan syndrome (PMID: 16571647, 17701892). This variant disrupts the p.Cys1513 amino acid residue in FBN1. Other variant(s) that disrupt this residue have been observed in individuals with FBN1-related conditions (PMID: 8136837, 16476890), which suggests that this may be a clinically significant amino acid residue. In summary, the currently available evidence indicates that the variant is pathogenic, but additional data are needed to prove that conclusively. Therefore, this variant has been classified as Likely Pathogenic. This variant is not present in population databases (ExAC no frequency). This sequence change replaces cysteine with phenylalanine at codon 1513 of the FBN1 protein (p.Cys1513Phe). The cysteine residue is highly conserved and there is a large physicochemical difference between cysteine and phenylalanine.

Literature cited by the submitters: PubMed 16905551; PubMed 19349279; PubMed 16571647; PubMed 17701892; PubMed 8136837; PubMed 16476890.

NM_000138.5(FBN1):c.4538G>T (p.Cys1513Phe)

Gene: FBN1 (fibrillin 1; minus strand). Cytogenetic location: 15q21.1.
Variant type: single nucleotide variant.
Coding change: c.4538G>T on transcript NM_000138.5 (MANE Select); coding-DNA position 4538, G replaced by T.
Protein change: p.Cys1513Phe; replaces cysteine 1513 with phenylalanine.
Molecular consequence: missense variant.
Genome position (GRCh38, 1-based): chr15:48,468,456, C>A on the plus strand (G>T on the coding strand, the complement: FBN1 is on the minus strand). VCF-style: chr15-48468456-C-A. GRCh37 (hg19) VCF-style: chr15-48760653-C-A.
Other names: short protein forms C1513F.
Identifiers: ClinVar variation 1472041 (VCV001472041.6), dbSNP rs1555397204, ClinGen allele CA392353480.